The following is an entry in ClinVar:

NM_145112.3(MAX):c.36+732del

Gene: MAX (MYC associated transcriptional regulator X; minus strand). Cytogenetic location: 14q23.3.
Variant type: Deletion.
Coding change: c.36+732del on transcript NM_145112.3; 732 bases into the intron after coding-DNA position 36, one base deleted (G; older notation c.36+732delG).
Molecular consequence: intron variant. On other transcripts: frameshift variant (1), non-coding transcript variant (1).
Genome position (GRCh38, 1-based): chr14:65,101,572, C deleted on the plus strand (G on the coding strand, the reverse complement: MAX is on the minus strand); the first of 2 consecutive C bases (chr14:65,101,572-65,101,573); deleting either gives the same sequence. VCF-style (leftmost placement, unchanged base first): chr14-65101571-TC-T. GRCh37 (hg19) VCF-style: chr14-65568289-TC-T.
Other names: c.60del, p.Lys21fs (NM_001407114.1); c.36+732del (NM_001271069.2, NM_001407095.1, NM_001407110.1 and 8 more transcripts); c.-305+937del (NM_001407112.1); c.-212+732del (NM_001407107.1); short protein forms K21fs.
Identifiers: ClinVar variation 4731849 (VCV004731849.1).

ClinVar aggregate classification (germline): Pathogenic (1 of 4 stars; one submission).

Conditions:
Hereditary pheochromocytoma and paraganglioma. Also called: Hereditary pheochromocytoma-paraganglioma; Hereditary Paraganglioma-Pheochromocytoma Syndromes; Hereditary paragangliomas and pheochromocytomas. Identifiers: Orphanet 29072, MedGen C4274332, MONDO:0017366.

Submission:

Labcorp Genetics (formerly Invitae), Labcorp
Classification: Pathogenic for Hereditary pheochromocytoma and paraganglioma. Last evaluated: 2026-01-07. Review status: criteria provided, single submitter. Criteria: Invitae Variant Classification Sherloc (09022015). Collection method: clinical testing. Allele origin: germline.
Comment: This sequence change creates a premature translational stop signal (p.Glu13Lysfs*52) in the MAX gene. It is expected to result in an absent or disrupted protein product. Loss-of-function variants in MAX are known to be pathogenic (PMID: 21685915, 26070438). This variant is not present in population databases (gnomAD no frequency). This variant has not been reported in the literature in individuals affected with MAX-related conditions. Algorithms developed to predict the effect of sequence changes on RNA splicing suggest that this variant may disrupt the consensus splice site. For these reasons, this variant has been classified as Pathogenic.

Literature cited by the submitters: PubMed 21685915; PubMed 26070438.